The following is an entry in ClinVar:

NM_030813.6(CLPB):c.715T>C (p.Trp239Arg)

Gene: CLPB (ClpB family mitochondrial disaggregase; minus strand). Cytogenetic location: 11q13.4.
Variant type: single nucleotide variant.
Coding change: c.715T>C on transcript NM_030813.6 (MANE Plus Clinical); coding-DNA position 715, T replaced by C.
Protein change: p.Trp239Arg; replaces tryptophan 239 with arginine.
Molecular consequence: missense variant. On other transcripts: intron variant (2).
Genome position (GRCh38, 1-based): chr11:72,372,946, A>G on the plus strand (T>C on the coding strand, the complement: CLPB is on the minus strand). VCF-style: chr11-72372946-A-G. GRCh37 (hg19) VCF-style: chr11-72083990-A-G.
Other names: c.715T>C (NM_030813.3); c.580T>C, p.Trp194Arg (NM_001258394.3); c.559+7335T>C (NM_001258393.3); c.646+7335T>C (NM_001258392.3); short protein forms W239R, W194R.
Identifiers: ClinVar variation 641125 (VCV000641125.9), dbSNP rs746357833, ClinGen allele CA6171469.
Genomic context (GRCh38, chr11:72,372,946, plus strand): 5'-GGGGAGGGGGAGAAATATTATACAGAGCAGTTCCATTACCGCCAGCGGGGAGTCCTAGCC[A>G]TCTCCTGAACTCCAGGGCACTTGTCCACTGGTTTGTGATGTGCCGGCTTGCACCGTCCTG-3'
Protein context (NP_110440.1, residues 229-249): QWTSALEFRR[Trp239Arg]LGLPAGVLIT

ClinVar aggregate classification (germline): Uncertain significance. Review status: criteria provided, multiple submitters, no conflicts (2 of 4 stars). 3 submissions from 3 submitters: Uncertain significance (3). Last evaluated 2025-10-29.

Conditions:
Inborn genetic diseases. Identifiers: MedGen C0950123, MeSH D030342.
3-methylglutaconic aciduria, type VIIB (MGCA7B). Also called: 3-methylglutaconic aciduria with cataracts, neurologic involvement and neutropenia; CLPB Deficiency; 3-methylglutaconic aciduria, type VII, with cataracts, neurologic involvement and neutropenia. Identifiers: Orphanet 445038, MedGen C5676893, MONDO:0014561, OMIM 616271.

Allele frequency attached by ClinVar (database versions not stated): ExAC 0.00002; TOPMed 0.00002; gnomAD 0.00003 and 0.00004; gnomAD exomes 0.00003 and 0.00004.
gnomAD v4.1: 61 of 1,614,016 alleles (0.0038%); highest among the groups gnomAD compares: Middle Eastern, 0.033%; 1 homozygote.

Submissions (3):

Labcorp Genetics (formerly Invitae), Labcorp
Classification: Uncertain significance for 3-methylglutaconic aciduria, type VIIB. Last evaluated: 2025-10-29. Review status: criteria provided, single submitter. Criteria: Invitae Variant Classification Sherloc (09022015). Collection method: clinical testing. Allele origin: germline.
Comment: This sequence change replaces tryptophan, which is neutral and slightly polar, with arginine, which is basic and polar, at codon 239 of the CLPB protein (p.Trp239Arg). This variant is present in population databases (rs746357833, gnomAD 0.006%). This variant has not been reported in the literature in individuals affected with CLPB-related conditions. ClinVar contains an entry for this variant (Variation ID: 641125). An algorithm developed to predict the effect of missense changes on protein structure and function outputs the following: PolyPhen-2: "Benign". The arginine amino acid residue is found in multiple mammalian species, which suggests that this missense change does not adversely affect protein function. In summary, the available evidence is currently insufficient to determine the role of this variant in disease. Therefore, it has been classified as a Variant of Uncertain Significance.

GeneDx
Classification: Uncertain significance. Last evaluated: 2024-08-29. Review status: criteria provided, single submitter. Criteria: GeneDx Variant Classification Process June 2021. Collection method: clinical testing. Allele origin: germline. Affected: yes.
Comment: Has not been previously published as pathogenic or benign to our knowledge; In silico analysis supports that this missense variant does not alter protein structure/function; This variant is associated with the following publications: (PMID: 30645593)

Ambry Genetics
Classification: Uncertain significance for Inborn genetic diseases. Last evaluated: 2024-02-21. Review status: criteria provided, single submitter. Criteria: Ambry Variant Classification Scheme 2023. Collection method: clinical testing. Allele origin: germline.